The following is an entry in ClinVar:

ClinVar aggregate classification (germline): Uncertain significance. Review status: criteria provided, multiple submitters, no conflicts (2 of 4 stars). 2 submissions from 2 submitters: Uncertain significance (2). Last evaluated 2024-08-15.

Conditions:
Ataxia-telangiectasia syndrome (AT). Also called: Ataxia-telangiectasia; LOUIS-BAR SYNDROME; AT, COMPLEMENTATION GROUP C; Ataxia-telangiectasia, complementation group E; Ataxia telangiectasia (A-T); Cerebello-oculocutaneous telangiectasia. Identifiers: Orphanet 100, MedGen C0004135, MONDO:0008840, OMIM 208900.
Hereditary cancer-predisposing syndrome. Also called: Tumor predisposition; Hereditary neoplastic syndrome; Hereditary Cancer Syndrome; Neoplastic Syndromes, Hereditary. Identifiers: Orphanet 140162, MedGen C0027672, MeSH D009386, MONDO:0015356.

Submissions (2):

Ambry Genetics
Classification: Uncertain significance for Hereditary cancer-predisposing syndrome. Last evaluated: 2024-08-15. Review status: criteria provided, single submitter. Criteria: Ambry Variant Classification Scheme 2023. Collection method: clinical testing. Allele origin: germline.
Comment: The p.G1184E variant (also known as c.3551G>A), located in coding exon 23 of the ATM gene, results from a G to A substitution at nucleotide position 3551. The glycine at codon 1184 is replaced by glutamic acid, an amino acid with similar properties. This amino acid position is well conserved in available vertebrate species. In addition, the in silico prediction for this alteration is inconclusive. Based on the available evidence, the clinical significance of this variant remains unclear.

Labcorp Genetics (formerly Invitae), Labcorp
Classification: Uncertain significance for Ataxia-telangiectasia syndrome. Last evaluated: 2021-08-22. Review status: criteria provided, single submitter. Criteria: Invitae Variant Classification Sherloc (09022015). Collection method: clinical testing. Allele origin: germline.
Comment: In summary, the available evidence is currently insufficient to determine the role of this variant in disease. Therefore, it has been classified as a Variant of Uncertain Significance. Advanced modeling of protein sequence and biophysical properties (such as structural, functional, and spatial information, amino acid conservation, physicochemical variation, residue mobility, and thermodynamic stability) performed at Invitae indicates that this missense variant is not expected to disrupt ATM protein function. This variant has not been reported in the literature in individuals affected with ATM-related conditions. This variant is not present in population databases (ExAC no frequency). This sequence change replaces glycine with glutamic acid at codon 1184 of the ATM protein (p.Gly1184Glu). The glycine residue is moderately conserved and there is a moderate physicochemical difference between glycine and glutamic acid.

NM_000051.4(ATM):c.3551G>A (p.Gly1184Glu)

Gene: ATM (ATM serine/threonine kinase; plus strand). Cytogenetic location: 11q22.3.
Variant type: single nucleotide variant.
Coding change: c.3551G>A on transcript NM_000051.4 (MANE Select); coding-DNA position 3551, G replaced by A.
Protein change: p.Gly1184Glu; replaces glycine 1184 with glutamic acid.
Molecular consequence: missense variant.
Genome position (GRCh38, 1-based): chr11:108,281,143, G>A. VCF-style: chr11-108281143-G-A. GRCh37 (hg19) VCF-style: chr11-108151870-G-A.
Other names: c.3551G>A (NM_000051.3); c.3551G>A, p.Gly1184Glu (NM_001351834.2); short protein forms G1184E.
Identifiers: ClinVar variation 1445332 (VCV001445332.7), dbSNP rs2135669947, ClinGen allele CA382520435.